The following is an entry in ClinVar:

NM_022124.6(CDH23):c.9194T>C (p.Leu3065Pro)

Gene: CDH23 (cadherin related 23; plus strand). Cytogenetic location: 10q22.1.
Variant type: single nucleotide variant.
Coding change: c.9194T>C on transcript NM_022124.6 (MANE Select); coding-DNA position 9194, T replaced by C.
Protein change: p.Leu3065Pro; replaces leucine 3065 with proline.
Molecular consequence: missense variant.
Genome position (GRCh38, 1-based): chr10:71,811,431, T>C. VCF-style: chr10-71811431-T-C. GRCh37 (hg19) VCF-style: chr10-73571188-T-C.
Other names: c.2474T>C, p.Leu825Pro (NM_001171933.1, NM_001171934.1); short protein forms L3065P, L825P.
Identifiers: ClinVar variation 1395724 (VCV001395724.6), dbSNP rs1213198804, ClinGen allele CA377134990.
Genomic context (GRCh38, chr10:71,811,431, plus strand): 5'-ACAACGTCCTGGACGTGCAGCCTGCCATCTCTGTCCGGCTGCCGGATGACATGTCTGCCC[T>C]GCAGGTACCCGGCGACCGTGCCCCACAGCCCTAGCCGCCCTCCCCACTGCCCGGGCTTAC-3'
Protein context (NP_071407.4, residues 3055-3075): SVRLPDDMSA[Leu3065Pro]QMAIIVLAIL

ClinVar aggregate classification (germline): Uncertain significance. Review status: criteria provided, multiple submitters, no conflicts (2 of 4 stars). 2 submissions from 2 submitters: Uncertain significance (2). Last evaluated 2024-07-10.

Allele frequency attached by ClinVar (database versions not stated): gnomAD 0.00001.
gnomAD v4.1: 17 of 1,613,870 alleles (0.0011%); highest among the groups gnomAD compares: East Asian, 0.0022%; no homozygotes.

Submissions (2):

Blueprint Genetics
Classification: Uncertain significance. Last evaluated: 2024-07-10. Review status: criteria provided, single submitter. Criteria: ACMG Guidelines, 2015. Collection method: clinical testing. Allele origin: germline.

Labcorp Genetics (formerly Invitae), Labcorp
Classification: Uncertain significance. Last evaluated: 2022-08-23. Review status: criteria provided, single submitter. Criteria: Invitae Variant Classification Sherloc (09022015). Collection method: clinical testing. Allele origin: germline.
Comment: This sequence change replaces leucine, which is neutral and non-polar, with proline, which is neutral and non-polar, at codon 3065 of the CDH23 protein (p.Leu3065Pro). This variant is present in population databases (no rsID available, gnomAD 0.007%). This variant has not been reported in the literature in individuals affected with CDH23-related conditions. ClinVar contains an entry for this variant (Variation ID: 1395724). Algorithms developed to predict the effect of missense changes on protein structure and function are either unavailable or do not agree on the potential impact of this missense change (SIFT: "Deleterious"; PolyPhen-2: "Not Available"; Align-GVGD: "Class C0"). In summary, the available evidence is currently insufficient to determine the role of this variant in disease. Therefore, it has been classified as a Variant of Uncertain Significance.